The following is an entry in ClinVar:

ClinVar aggregate classification (germline): Uncertain significance (1 of 4 stars; one submission).

Conditions:
Regional enteritis. Also called: Enteritis, Granulomatous. Identifiers: MedGen C0678202, MeSH D003424.
Blau syndrome (BLAUS). Also called: ARTHROCUTANEOUVEAL GRANULOMATOSIS; GRANULOMATOSIS, FAMILIAL JUVENILE SYSTEMIC; GRANULOMATOSIS, FAMILIAL, BLAU TYPE; GRANULOMATOUS INFLAMMATORY ARTHRITIS, DERMATITIS, AND UVEITIS, FAMILIAL; JABS SYNDROME. Identifiers: Orphanet 90340, MedGen C5201146, MONDO:0008523, OMIM 186580.

Submission:

Labcorp Genetics (formerly Invitae), Labcorp
Classification: Uncertain significance for Regional enteritis; Blau syndrome. Last evaluated: 2024-12-09. Review status: criteria provided, single submitter. Criteria: Invitae Variant Classification Sherloc (09022015). Collection method: clinical testing. Allele origin: germline.
Comment: This sequence change replaces aspartic acid, which is acidic and polar, with asparagine, which is neutral and polar, at codon 579 of the NOD2 protein (p.Asp579Asn). This variant is not present in population databases (gnomAD no frequency). This variant has not been reported in the literature in individuals affected with NOD2-related conditions. Invitae Evidence Modeling of protein sequence and biophysical properties (such as structural, functional, and spatial information, amino acid conservation, physicochemical variation, residue mobility, and thermodynamic stability) has been performed for this missense variant. However, the output from this modeling did not meet the statistical confidence thresholds required to predict the impact of this variant on NOD2 protein function. In summary, the available evidence is currently insufficient to determine the role of this variant in disease. Therefore, it has been classified as a Variant of Uncertain Significance.

NM_001370466.1(NOD2):c.1654G>A (p.Asp552Asn)

Gene: NOD2 (nucleotide binding oligomerization domain containing 2; plus strand). Cytogenetic location: 16q12.1.
Variant type: single nucleotide variant.
Coding change: c.1654G>A on transcript NM_001370466.1 (MANE Select); coding-DNA position 1654, G replaced by A.
Protein change: p.Asp552Asn; replaces aspartic acid 552 with asparagine.
Molecular consequence: missense variant. On other transcripts: non-coding transcript variant (1).
Genome position (GRCh38, 1-based): chr16:50,711,646, G>A. VCF-style: chr16-50711646-G-A. GRCh37 (hg19) VCF-style: chr16-50745557-G-A.
Other names: c.1654G>A, p.Asp552Asn (NM_001293557.2); c.1735G>A, p.Asp579Asn (NM_022162.3); short protein forms D552N, D579N.
Identifiers: ClinVar variation 3754277 (VCV003754277.2).